The following is an entry in ClinVar:

NM_007346.4(OGFR):c.1716C>T (p.Asp572=)

Gene: OGFR (opioid growth factor receptor; plus strand). Cytogenetic location: 20q13.33.
Variant type: single nucleotide variant.
Coding change: c.1716C>T on transcript NM_007346.4 (MANE Select); coding-DNA position 1716, C replaced by T.
Protein change: p.Asp572=; no amino-acid change (aspartic acid 572 retained).
Molecular consequence: synonymous variant.
Genome position (GRCh38, 1-based): chr20:62,813,331, C>T. VCF-style: chr20-62813331-C-T. GRCh37 (hg19) VCF-style: chr20-61444683-C-T.
Identifiers: ClinVar variation 2652502 (VCV002652502.24), dbSNP rs752820010, ClinGen allele CA9948847.

ClinVar aggregate classification (germline): Likely benign (1 of 4 stars; one submission).

Allele frequency attached by ClinVar (database versions not stated): ExAC 0.00015; gnomAD 0.00021.

Submission:

CeGaT Center for Human Genetics Tuebingen
Classification: Likely benign. Last evaluated: 2025-03-01. Review status: criteria provided, single submitter. Criteria: CeGaT Center For Human Genetics Tuebingen Variant Classification Criteria Version 2. Collection method: clinical testing. Allele origin: germline. Affected: yes. Observed: 6 variant alleles.
Comment: OGFR: BP4, BP7